The following is an entry in ClinVar:

ClinVar aggregate classification (germline): Uncertain significance (1 of 4 stars; one submission).

Conditions:
KMT2D-related disorder. Also called: KMT2D-Related Disorders.

Submission:

PreventionGenetics, part of Exact Sciences
Classification: Uncertain significance for KMT2D-related condition. Last evaluated: 2026-07-27. Review status: criteria provided, single submitter. Criteria: ACMG Guidelines, 2015. Collection method: clinical testing. Allele origin: germline.
Comment: The KMT2D c.2440C>T variant is predicted to result in the amino acid substitution p.His814Tyr. To our knowledge, this variant has not been reported in the literature. This variant is reported in 0.0062% of alleles in individuals of East Asian descent in gnomAD. At this time, the clinical significance of this variant is uncertain due to the absence of conclusive functional and genetic evidence.

NM_003482.4(KMT2D):c.2440C>T (p.His814Tyr)

Gene: KMT2D (lysine methyltransferase 2D; minus strand). Cytogenetic location: 12q13.12.
Variant type: single nucleotide variant.
Coding change: c.2440C>T on transcript NM_003482.4 (MANE Select); coding-DNA position 2440, C replaced by T.
Protein change: p.His814Tyr; replaces histidine 814 with tyrosine.
Molecular consequence: missense variant.
Genome position (GRCh38, 1-based): chr12:49,051,243, G>A on the plus strand (C>T on the coding strand, the complement: KMT2D is on the minus strand). VCF-style: chr12-49051243-G-A. GRCh37 (hg19) VCF-style: chr12-49445026-G-A.
Other names: short protein forms H814Y.
Identifiers: ClinVar variation 4995521 (VCV004995521.1).